The following is an entry in ClinVar:

ClinVar aggregate classification (germline): Likely benign (0 of 4 stars; one submission).

Conditions:
CMIP-related disorder. Also called: CMIP-related condition.

Allele frequency attached by ClinVar (database versions not stated): TOPMed 0.00002; gnomAD 0.00011; 1000 Genomes Project 30x 0.00016; 1000 Genomes Project 0.00020; ExAC 0.00039.
gnomAD v4.1: 170 of 1,602,910 alleles (0.011%); highest among the groups gnomAD compares: South Asian, 0.18%; 2 homozygotes.

Submission:

PreventionGenetics, part of Exact Sciences
Classification: Likely benign for CMIP-related condition. Last evaluated: 2019-05-15. Review status: no assertion criteria provided. Collection method: clinical testing. Allele origin: germline.
Comment: This variant is classified as likely benign based on ACMG/AMP sequence variant interpretation guidelines (Richards et al. 2015 PMID: 25741868, with internal and published modifications).

NM_198390.3(CMIP):c.1011C>G (p.Ser337=)

Gene: CMIP (c-Maf inducing protein; plus strand). Cytogenetic location: 16q23.3.
Variant type: single nucleotide variant.
Coding change: c.1011C>G on transcript NM_198390.3 (MANE Select); coding-DNA position 1011, C replaced by G.
Protein change: p.Ser337=; no amino-acid change (serine 337 retained).
Molecular consequence: synonymous variant.
Genome position (GRCh38, 1-based): chr16:81,672,047, C>G. VCF-style: chr16-81672047-C-G. GRCh37 (hg19) VCF-style: chr16-81705652-C-G.
Other names: c.729C>G, p.Ser243= (NM_030629.3).
Identifiers: ClinVar variation 3038003 (VCV003038003.2), dbSNP rs544242568, ClinGen allele CA8192293.